The following is an entry in ClinVar:

NM_004304.5(ALK):c.973A>C (p.Thr325Pro)

Gene: ALK (ALK receptor tyrosine kinase; minus strand). Cytogenetic location: 2p23.2.
Variant type: single nucleotide variant.
Coding change: c.973A>C on transcript NM_004304.5 (MANE Select); coding-DNA position 973, A replaced by C.
Protein change: p.Thr325Pro; replaces threonine 325 with proline.
Molecular consequence: missense variant.
Genome position (GRCh38, 1-based): chr2:29,532,096, T>G on the plus strand (A>C on the coding strand, the complement: ALK is on the minus strand). VCF-style: chr2-29532096-T-G. GRCh37 (hg19) VCF-style: chr2-29754962-T-G.
Other names: short protein forms T325P.
Identifiers: ClinVar variation 3855573 (VCV003855573.1).
Genomic context (GRCh38, chr2:29,532,096, plus strand): 5'-AGTGCTCACTGCTGCTCCTCATCCACGGACTCAGGATGGTGTGCTTGGAGTCAGCTGAGG[T>G]GTTGAGAAGGAGAAAGGAGCCTGGAAAGAGACAGGGAAAACGAATCTGCAGATGTGTTCA-3'
Protein context (NP_004295.2, residues 315-335): MPRGSFLLLN[Thr325Pro]SADSKHTILS

ClinVar aggregate classification (germline): Uncertain significance (1 of 4 stars; one submission).

Conditions:
Hereditary cancer-predisposing syndrome. Also called: Hereditary neoplastic syndrome; Neoplastic Syndromes, Hereditary; Tumor predisposition; Hereditary Cancer Syndrome. Identifiers: Orphanet 140162, MedGen C0027672, MeSH D009386, MONDO:0015356.

Submission:

Ambry Genetics
Classification: Uncertain significance for Hereditary cancer-predisposing syndrome. Last evaluated: 2025-02-02. Review status: criteria provided, single submitter. Criteria: Ambry Variant Classification Scheme 2023. Collection method: clinical testing. Allele origin: germline.
Comment: The p.T325P variant (also known as c.973A>C), located in coding exon 4 of the ALK gene, results from an A to C substitution at nucleotide position 973. The threonine at codon 325 is replaced by proline, an amino acid with highly similar properties. This amino acid position is conserved. In addition, the in silico prediction for this alteration is inconclusive. Based on the available evidence, the clinical significance of this variant remains unclear.